The following is an entry in ClinVar:

NM_005529.7(HSPG2):c.5075G>T (p.Gly1692Val)

Gene: HSPG2 (heparan sulfate proteoglycan 2; minus strand). Cytogenetic location: 1p36.12.
Variant type: single nucleotide variant.
Coding change: c.5075G>T on transcript NM_005529.7 (MANE Select); coding-DNA position 5075, G replaced by T.
Protein change: p.Gly1692Val; replaces glycine 1692 with valine.
Molecular consequence: missense variant.
Genome position (GRCh38, 1-based): chr1:21,859,942, C>A on the plus strand (G>T on the coding strand, the complement: HSPG2 is on the minus strand). VCF-style: chr1-21859942-C-A. GRCh37 (hg19) VCF-style: chr1-22186435-C-A.
Other names: c.5078G>T, p.Gly1693Val (NM_001291860.2); c.5075G>T (NM_005529.5); short protein forms G1692V, G1693V.
Identifiers: ClinVar variation 585994 (VCV000585994.17), dbSNP rs777795072, ClinGen allele CA672067.

ClinVar aggregate classification (germline): Conflicting classifications of pathogenicity. Review status: criteria provided, conflicting classifications (1 of 4 stars). 4 submissions from 4 submitters: Uncertain significance (3); Likely benign (1). Last evaluated 2023-12-19.

Conditions:
Inborn genetic diseases. Identifiers: MedGen C0950123, MeSH D030342.

Allele frequency attached by ClinVar (database versions not stated): gnomAD 0.00003 and 0.00005; ExAC 0.00008; TOPMed 0.00012.
gnomAD v4.1: 123 of 1,610,422 alleles (0.0076%); highest among the groups gnomAD compares: Admixed American, 0.052%; 1 homozygote.

Submissions (4):

Ambry Genetics
Classification: Uncertain significance for Inborn genetic diseases. Last evaluated: 2023-12-19. Review status: criteria provided, single submitter. Criteria: Ambry Variant Classification Scheme 2023. Collection method: clinical testing. Allele origin: germline.

Labcorp Genetics (formerly Invitae), Labcorp
Classification: Uncertain significance. Last evaluated: 2022-07-01. Review status: criteria provided, single submitter. Criteria: Invitae Variant Classification Sherloc (09022015). Collection method: clinical testing. Allele origin: germline.
Comment: This sequence change replaces glycine, which is neutral and non-polar, with valine, which is neutral and non-polar, at codon 1692 of the HSPG2 protein (p.Gly1692Val). This variant is present in population databases (rs777795072, gnomAD 0.05%), including at least one homozygous and/or hemizygous individual. This variant has not been reported in the literature in individuals affected with HSPG2-related conditions. ClinVar contains an entry for this variant (Variation ID: 585994). Algorithms developed to predict the effect of missense changes on protein structure and function are either unavailable or do not agree on the potential impact of this missense change (SIFT: "Tolerated"; PolyPhen-2: "Possibly Damaging"; Align-GVGD: "Class C0"). Algorithms developed to predict the effect of sequence changes on RNA splicing suggest that this variant may create or strengthen a splice site. In summary, the available evidence is currently insufficient to determine the role of this variant in disease. Therefore, it has been classified as a Variant of Uncertain Significance.

Athena Diagnostics
Classification: Uncertain significance. Last evaluated: 2021-05-28. Review status: criteria provided, single submitter. Criteria: Athena Diagnostics Criteria. Collection method: clinical testing. Allele origin: unknown.

ARUP Laboratories, Molecular Genetics and Genomics, ARUP Laboratories
Classification: Likely benign. Last evaluated: 2020-02-07. Review status: criteria provided, single submitter. Criteria: ARUP Molecular Germline Variant Investigation Process. Collection method: clinical testing. Allele origin: germline.